The following is an entry in ClinVar:

NM_001009944.3(PKD1):c.8305C>T (p.Leu2769Phe)

Gene: PKD1 (polycystin 1, transient receptor potential channel interacting; minus strand). Cytogenetic location: 16p13.3.
Variant type: single nucleotide variant.
Coding change: c.8305C>T on transcript NM_001009944.3 (MANE Select); coding-DNA position 8305, C replaced by T.
Protein change: p.Leu2769Phe; replaces leucine 2769 with phenylalanine.
Molecular consequence: missense variant.
Genome position (GRCh38, 1-based): chr16:2,103,752, G>A on the plus strand (C>T on the coding strand, the complement: PKD1 is on the minus strand). VCF-style: chr16-2103752-G-A. GRCh37 (hg19) VCF-style: chr16-2153753-G-A.
Other names: c.8305C>T, p.Leu2769Phe (NM_000296.4); c.8305C>T (NM_001009944.2); short protein forms L2769F.
Identifiers: ClinVar variation 440092 (VCV000440092.17), dbSNP rs771382752, ClinGen allele CA7830567.

ClinVar aggregate classification (germline): Conflicting classifications of pathogenicity. Review status: criteria provided, conflicting classifications (1 of 4 stars). 6 submissions from 6 submitters: Uncertain significance (1); Benign (1); Likely benign (3). 1 of the submissions does not count toward it. Last evaluated 2025-12-01.

Conditions:
PKD1-related disorder. Also called: PKD1-related condition.

Allele frequency attached by ClinVar (database versions not stated): gnomAD 0.00006 and 0.00007; TOPMed 0.00021.

Submissions (6):

CeGaT Center for Human Genetics Tuebingen
Classification: Likely benign. Last evaluated: 2025-12-01. Review status: criteria provided, single submitter. Criteria: CeGaT Center For Human Genetics Tuebingen Variant Classification Criteria Version 2. Collection method: clinical testing. Allele origin: germline. Affected: yes. Observed: 1 variant allele.
Comment: PKD1: BS1

Women's Health and Genetics/Laboratory Corporation of America, LabCorp
Classification: Uncertain significance. Last evaluated: 2024-09-17. Review status: criteria provided, single submitter. Criteria: LabCorp Variant Classification Summary - May 2015. Collection method: clinical testing. Allele origin: germline.
Comment: Variant summary: PKD1 c.8305C>T (p.Leu2769Phe) results in a non-conservative amino acid change located in the REJ domain (IPR014010) of the encoded protein sequence. Four of five in-silico tools predict a damaging effect of the variant on protein function. The variant allele was found at a frequency of 0.00046 in 246822 control chromosomes, predominantly at a frequency of 0.0032 within the Latino subpopulation in the gnomAD database. The observed variant frequency within Latino control individuals in the gnomAD database is approximately 6 fold of the estimated maximal expected allele frequency for a pathogenic variant in PKD1 causing Polycystic Kidney Disease 1 phenotype (0.0005). However, the gnomAD database has noted that pseudogenic regions are not flagged and a 90 bp region surrounding this variant was found to have >95% homology to 4 different loci on chr 16. Therefore population data must be interpreted with caution. c.8305C>T has been reported in the literature in at least 1 individual affected with Polycystic Kidney Disease (example, Kurashige_2015). These report(s) do not provide unequivocal conclusions about association of the variant with Polycystic Kidney Disease 1. Co-occurrences with other pathogenic variant(s) have been reported (PKD2 c.2533C>T, p.Arg845*), providing supporting evidence for a benign role. To our knowledge, no experimental evidence demonstrating an impact on protein function has been reported. The following publication has been ascertained in the context of this evaluation (PMID: 24611717). ClinVar contains an entry for this variant (Variation ID: 440092). Based on the evidence outlined above, the variant was classified as VUS-possibly benign.

Athena Diagnostics
Classification: Benign. Last evaluated: 2017-03-07. Review status: criteria provided, single submitter. Criteria: Athena Diagnostics Criteria. Collection method: clinical testing. Allele origin: germline.

ARUP Laboratories, Molecular Genetics and Genomics, ARUP Laboratories
Classification: Likely benign. Last evaluated: 2016-10-11. Review status: criteria provided, single submitter. Criteria: ARUP Molecular Germline Variant Investigation Process. Collection method: clinical testing. Allele origin: germline.

Breakthrough Genomics
Classification: Likely benign. Review status: criteria provided, single submitter. Criteria: ACMG Guidelines, 2015. Collection method: not provided. Allele origin: germline. Inheritance: Autosomal dominant inheritance. Affected: yes.

PreventionGenetics, part of Exact Sciences
Classification: Likely benign for PKD1-related condition. Last evaluated: 2023-02-13. Review status: no assertion criteria provided. Collection method: clinical testing. Allele origin: germline. Not counted in ClinVar's aggregate classification.
Comment: This variant is classified as likely benign based on ACMG/AMP sequence variant interpretation guidelines (Richards et al. 2015 PMID: 25741868, with internal and published modifications).

Literature cited by the submitters: PubMed 24611717 (cited by Women's Health and Genetics/Laboratory Corporation of America, LabCorp).